The following is an entry in ClinVar:

ClinVar aggregate classification (germline): Uncertain significance. Review status: criteria provided, multiple submitters, no conflicts (2 of 4 stars). 2 submissions from 2 submitters: Uncertain significance (2). Last evaluated 2024-11-11.

Conditions:
Cortical dysplasia-focal epilepsy syndrome (PTHSL1). Also called: Pitt-Hopkins-like syndrome 1. Identifiers: Orphanet 163681, Orphanet 221150, MedGen C2750246, MONDO:0012400, OMIM 610042.

Allele frequency attached by ClinVar (database versions not stated): TOPMed 0.00001.
gnomAD v4.1: 10 of 1,614,106 alleles (0.00062%); highest among the groups gnomAD compares: Admixed American, 0.0067%; no homozygotes.

Submissions (2):

Labcorp Genetics (formerly Invitae), Labcorp
Classification: Uncertain significance for Cortical dysplasia-focal epilepsy syndrome. Last evaluated: 2024-11-11. Review status: criteria provided, single submitter. Criteria: Invitae Variant Classification Sherloc (09022015). Collection method: clinical testing. Allele origin: germline.
Comment: This sequence change replaces serine, which is neutral and polar, with phenylalanine, which is neutral and non-polar, at codon 857 of the CNTNAP2 protein (p.Ser857Phe). This variant is present in population databases (rs200330677, gnomAD 0.009%). This variant has not been reported in the literature in individuals affected with CNTNAP2-related conditions. ClinVar contains an entry for this variant (Variation ID: 420513). An algorithm developed to predict the effect of missense changes on protein structure and function (PolyPhen-2) suggests that this variant¬†is likely to be tolerated. In summary, the available evidence is currently insufficient to determine the role of this variant in disease. Therefore, it has been classified as a Variant of Uncertain Significance.

GeneDx
Classification: Uncertain significance. Last evaluated: 2019-07-22. Review status: criteria provided, single submitter. Criteria: GeneDx Variant Classification Process June 2021. Collection method: clinical testing. Allele origin: germline. Affected: yes.
Comment: In silico analysis, which includes protein predictors and evolutionary conservation, supports that this variant does not alter protein structure/function; Has not been previously published as pathogenic or benign to our knowledge

NM_014141.6(CNTNAP2):c.2570C>T (p.Ser857Phe)

Gene: CNTNAP2 (contactin associated protein 2; plus strand). Cytogenetic location: 7q35.
Variant type: single nucleotide variant.
Coding change: c.2570C>T on transcript NM_014141.6 (MANE Select); coding-DNA position 2570, C replaced by T.
Protein change: p.Ser857Phe; replaces serine 857 with phenylalanine.
Molecular consequence: missense variant.
Genome position (GRCh38, 1-based): chr7:148,147,506, C>T. VCF-style: chr7-148147506-C-T. GRCh37 (hg19) VCF-style: chr7-147844598-C-T.
Other names: short protein forms S857F.
Identifiers: ClinVar variation 420513 (VCV000420513.6), dbSNP rs200330677, ClinGen allele CA4546442.